The following is an entry in ClinVar:

NM_000130.5(F5):c.2465C>T (p.Ser822Phe)

Gene: F5 (coagulation factor V; minus strand). Cytogenetic location: 1q24.2.
Variant type: single nucleotide variant.
Coding change: c.2465C>T on transcript NM_000130.5 (MANE Select); coding-DNA position 2465, C replaced by T.
Protein change: p.Ser822Phe; replaces serine 822 with phenylalanine.
Molecular consequence: missense variant.
Genome position (GRCh38, 1-based): chr1:169,542,625, G>A on the plus strand (C>T on the coding strand, the complement: F5 is on the minus strand). VCF-style: chr1-169542625-G-A. GRCh37 (hg19) VCF-style: chr1-169511863-G-A.
Other names: short protein forms S822F.
Identifiers: ClinVar variation 3711513 (VCV003711513.2).

ClinVar aggregate classification (germline): Uncertain significance. Review status: criteria provided, multiple submitters, no conflicts (2 of 4 stars). 2 submissions from 2 submitters: Uncertain significance (2). Last evaluated 2025-08-08.

Conditions:
Congenital factor V deficiency. Also called: Hereditary factor V deficiency disease; LABILE FACTOR DEFICIENCY; OWREN PARAHEMOPHILIA; PARAHEMOPHILIA. Identifiers: Orphanet 326, MedGen C0015499, MONDO:0009210, OMIM 227400.
Inborn genetic diseases. Identifiers: MedGen C0950123, MeSH D030342.

gnomAD v4.1: 23 of 1,613,984 alleles (0.0014%); highest among the groups gnomAD compares: African/African-American, 0.023%; no homozygotes.

Submissions (2):

Ambry Genetics
Classification: Uncertain significance for Inborn genetic diseases. Last evaluated: 2025-08-08. Review status: criteria provided, single submitter. Criteria: Ambry Variant Classification Scheme 2023. Collection method: clinical testing. Allele origin: germline.

Labcorp Genetics (formerly Invitae), Labcorp
Classification: Uncertain significance for Congenital factor V deficiency. Last evaluated: 2024-02-14. Review status: criteria provided, single submitter. Criteria: Invitae Variant Classification Sherloc (09022015). Collection method: clinical testing. Allele origin: germline.
Comment: This sequence change replaces serine, which is neutral and polar, with phenylalanine, which is neutral and non-polar, at codon 822 of the F5 protein (p.Ser822Phe). This variant is present in population databases (no rsID available, gnomAD 0.007%). This variant has not been reported in the literature in individuals affected with F5-related conditions. Advanced modeling of protein sequence and biophysical properties (such as structural, functional, and spatial information, amino acid conservation, physicochemical variation, residue mobility, and thermodynamic stability) performed at Invitae indicates that this missense variant is not expected to disrupt F5 protein function with a negative predictive value of 80%. In summary, the available evidence is currently insufficient to determine the role of this variant in disease. Therefore, it has been classified as a Variant of Uncertain Significance.